The following is an entry in ClinVar:

ClinVar aggregate classification (germline): Uncertain significance. Review status: criteria provided, multiple submitters, no conflicts (2 of 4 stars). 2 submissions from 2 submitters: Uncertain significance (2). Last evaluated 2026-03-19.

Submissions (2):

GeneDx
Classification: Uncertain significance. Last evaluated: 2026-03-19. Review status: criteria provided, single submitter. Criteria: GeneDx Variant Classification Process June 2021. Collection method: clinical testing. Allele origin: germline.
Comment: Not observed at significant frequency in large population cohorts (gnomAD); In silico analysis suggests that this variant does not alter splicing; Has not been previously published as pathogenic or benign to our knowledge

Labcorp Genetics (formerly Invitae), Labcorp
Classification: Uncertain significance. Last evaluated: 2023-02-06. Review status: criteria provided, single submitter. Criteria: Invitae Variant Classification Sherloc (09022015). Collection method: clinical testing. Allele origin: germline.
Comment: In summary, the available evidence is currently insufficient to determine the role of this variant in disease. Therefore, it has been classified as a Variant of Uncertain Significance. Variants that disrupt the consensus splice site are a relatively common cause of aberrant splicing (PMID: 17576681, 9536098). Algorithms developed to predict the effect of sequence changes on RNA splicing suggest that this variant is not likely to affect RNA splicing. This variant has not been reported in the literature in individuals affected with FOXP1-related conditions. This variant is not present in population databases (gnomAD no frequency). This sequence change falls in intron 7 of the FOXP1 gene. It does not directly change the encoded amino acid sequence of the FOXP1 protein. It affects a nucleotide within the consensus splice site.

Literature cited by the submitters: PubMed 17576681 (cited by Labcorp Genetics (formerly Invitae), Labcorp); PubMed 9536098 (cited by Labcorp Genetics (formerly Invitae), Labcorp).

NM_001349338.3(FOXP1):c.283-3_283-2insGGCTTCCTATTTATCCTTCATTAACATTCTG

Gene: FOXP1 (forkhead box P1; minus strand). Cytogenetic location: 3p13.
Variant type: Insertion.
Coding change: c.283-3_283-2insGGCTTCCTATTTATCCTTCATTAACATTCTG on transcript NM_001349338.3 (MANE Select); 3 bases into the intron before coding-DNA position 283 through the canonical splice acceptor site of the intron before coding-DNA position 283, GGCTTCCTATTTATCCTTCATTAACATTCTG inserted.
Molecular consequence: intron variant.
Genome position: GRCh38: chr3:71,053,805-71,053,806. GRCh37 (hg19): chr3:71,102,956-71,102,957.
Other names: c.283-3_283-2insGGCTTCCTATTTATCCTTCATTAACATTCTG (NM_001244810.2, NM_032682.6, NM_001349340.3 and 4 more transcripts); c.283-6681_283-6680insGGCTTCCTATTTATCCTTCATTAACATTCTG (NM_001244812.3); c.-18-3_-18-2insGGCTTCCTATTTATCCTTCATTAACATTCTG (NM_001349343.3, NM_001349342.3, NM_001349337.2 and 4 more transcripts).
Identifiers: ClinVar variation 2784723 (VCV002784723.4), dbSNP rs2545885956, ClinGen allele CA2739279264.